The following is an entry in ClinVar:

ClinVar aggregate classification (germline): Pathogenic. Review status: criteria provided, multiple submitters, no conflicts (2 of 4 stars). 2 submissions from 2 submitters: Pathogenic (2). Last evaluated 2025-10-14.

Conditions:
Ehlers-Danlos syndrome, cardiac valvular type. Identifiers: Orphanet 230851, MedGen C4303789, MONDO:0009159, OMIM 225320.
Ehlers-Danlos syndrome, classic type, 1 (EDSCL1). Also called: EHLERS-DANLOS SYNDROME, GRAVIS TYPE; EHLERS-DANLOS SYNDROME, SEVERE CLASSIC TYPE; Ehlers-Danlos syndrome, type 1; Ehlers-Danlos Syndrome, Classic Type, COL5A1-Related; EDS I. Identifiers: MedGen C0268335, MONDO:0019567, OMIM 130000.
Osteogenesis imperfecta type I (OI1). Also called: OI, TYPE I; OSTEOGENESIS IMPERFECTA TARDA; OSTEOGENESIS IMPERFECTA WITH BLUE SCLERAE; Osteogenesis imperfecta type 1; Lobstein's Disease; Lobstein disease. Identifiers: Orphanet 216796, Orphanet 666, MedGen C0023931, MONDO:0008146, OMIM 166200. Disease mechanism: loss of function.

Submissions (2):

Labcorp Genetics (formerly Invitae), Labcorp
Classification: Pathogenic for Osteogenesis imperfecta type I; Ehlers-Danlos syndrome, classic type, 1. Last evaluated: 2025-10-14. Review status: criteria provided, single submitter. Criteria: Invitae Variant Classification Sherloc (09022015). Collection method: clinical testing. Allele origin: germline.
Comment: This sequence change creates a premature translational stop signal (p.Pro1092Trpfs*17) in the COL1A2 gene. It is expected to result in an absent or disrupted protein product. Loss-of-function variants in COL1A2 are known to be pathogenic (PMID: 11288717, 15077201). This variant is not present in population databases (gnomAD no frequency). This variant has not been reported in the literature in individuals affected with COL1A2-related conditions. ClinVar contains an entry for this variant (Variation ID: 3902393). For these reasons, this variant has been classified as Pathogenic.

Women's Health and Genetics/Laboratory Corporation of America, LabCorp
Classification: Pathogenic for Ehlers-Danlos syndrome, cardiac valvular type. Last evaluated: 2025-05-08. Review status: criteria provided, single submitter. Criteria: LabCorp Variant Classification Summary - May 2015. Collection method: clinical testing. Allele origin: germline.
Comment: Variant summary: COL1A2 c.3274_3275delCC (p.Pro1092TrpfsX17) results in a premature termination codon, predicted to cause a truncation of the encoded protein or absence of the protein due to nonsense mediated decay, which are commonly known mechanisms for disease. The variant was absent in 251220 control chromosomes. To our knowledge, no occurrence of c.3274_3275delCC in individuals affected with Ehlers-Danlos syndrome, cardiac valvular type and no experimental evidence demonstrating its impact on protein function have been reported. No submitters have cited clinical-significance assessments for this variant to ClinVar. Based on the evidence outlined above, the variant was classified as pathogenic.

Literature cited by the submitters: PubMed 11288717 (cited by Labcorp Genetics (formerly Invitae), Labcorp); PubMed 15077201 (cited by Labcorp Genetics (formerly Invitae), Labcorp).

NM_000089.4(COL1A2):c.3274_3275del (p.Pro1092fs)

Gene: COL1A2 (collagen type I alpha 2 chain; plus strand). Cytogenetic location: 7q21.3.
Variant type: Deletion.
Coding change: c.3274_3275del on transcript NM_000089.4 (MANE Select); coding-DNA positions 3274 to 3275, 2 bases deleted (CC; older notation c.3274_3275delCC).
Protein change: p.Pro1092fs; shifts the reading frame from proline 1092.
Molecular consequence: frameshift variant.
Genome position (GRCh38, 1-based): chr7:94,427,633-94,427,634, CC deleted; deleting any 2 consecutive bases within chr7:94,427,629-94,427,634 gives the same sequence; the c. name uses the placement nearest the transcript's 3' end. VCF-style (leftmost placement, unchanged base first): chr7-94427628-GCC-G. GRCh37 (hg19) VCF-style: chr7-94056940-GCC-G.
Other names: c.3274_3275delCC (NM_000089.4); short protein forms P1092fs.
Identifiers: ClinVar variation 3902393 (VCV003902393.2).